The following is an entry in ClinVar:

ClinVar aggregate classification (germline): Likely benign (1 of 4 stars; one submission).

gnomAD v4.1: 1 of 1,558,060 alleles (0.000064%); no homozygotes.

Submission:

CeGaT Center for Human Genetics Tuebingen
Classification: Likely benign. Last evaluated: 2022-11-01. Review status: criteria provided, single submitter. Criteria: CeGaT Center For Human Genetics Tuebingen Variant Classification Criteria Version 2. Collection method: clinical testing. Allele origin: germline. Affected: yes. Observed: 1 variant allele.
Comment: PHIP: PM2:Supporting, BP4, BP7

NM_017934.7(PHIP):c.3660G>A (p.Arg1220=)

Genes: IRAK1BP1 (interleukin 1 receptor associated kinase 1 binding protein 1; plus strand), PHIP (PHIP subunit of CUL4-Ring ligase complex; minus strand). Cytogenetic location: 6q14.1.
Variant type: single nucleotide variant.
Coding change: c.3660G>A on transcript NM_017934.7 (MANE Select); coding-DNA position 3660, G replaced by A.
Protein change: p.Arg1220=; no amino-acid change (arginine 1220 retained).
Molecular consequence: synonymous variant.
Genome position (GRCh38, 1-based): chr6:78,958,597, C>T on the plus strand (G>A on the coding strand, the complement: PHIP is on the minus strand). VCF-style: chr6-78958597-C-T. GRCh37 (hg19) VCF-style: chr6-79668314-C-T.
Identifiers: ClinVar variation 2656716 (VCV002656716.24), dbSNP rs2481849142, ClinGen allele CA451019497.